The following is an entry in ClinVar:

NM_018406.7(MUC4):c.10365C>G (p.Thr3455=)

Gene: MUC4 (mucin 4, cell surface associated). Cytogenetic location: 3q29.
Variant type: single nucleotide variant.
Coding change: c.10365C>G on transcript NM_018406.7 (MANE Select); coding-DNA position 10365, C replaced by G.
Protein change: p.Thr3455=; no amino-acid change (threonine 3455 retained).
Molecular consequence: synonymous variant. On other transcripts: no sequence alteration (1), genic upstream transcript variant (2).
Genome position (GRCh38, 1-based): chr3:195,781,215, G>C on the plus strand (C>G on the coding strand, the complement: MUC4 is on the minus strand). VCF-style: chr3-195781215-G-C. GRCh37 (hg19) VCF-style: chr3-195508086-G-C.
Other names: c.15135=, p.Thr5045= (NM_001322468.1); c.83-6910C>G (NM_138297.5); c.83-2760C>G (NM_004532.6).
Identifiers: ClinVar variation 2654428 (VCV002654428.24), dbSNP rs199832619, ClinGen allele CA2770231.

ClinVar aggregate classification (germline): Likely benign (1 of 4 stars; one submission).

Allele frequency attached by ClinVar (database versions not stated): ExAC 0.00005.

Submission:

CeGaT Center for Human Genetics Tuebingen
Classification: Likely benign. Last evaluated: 2026-04-01. Review status: criteria provided, single submitter. Criteria: CeGaT Center For Human Genetics Tuebingen Variant Classification Criteria Version 2. Collection method: clinical testing. Allele origin: germline. Affected: yes. Observed: 2 variant alleles.
Comment: MUC4: BP4, BP7